The following is an entry in ClinVar:

NM_000155.4(GALT):c.295T>A (p.Phe99Ile)

Gene: GALT (galactose-1-phosphate uridylyltransferase; plus strand). Cytogenetic location: 9p13.3.
Variant type: single nucleotide variant.
Coding change: c.295T>A on transcript NM_000155.4 (MANE Select); coding-DNA position 295, T replaced by A.
Protein change: p.Phe99Ile; replaces phenylalanine 99 with isoleucine.
Molecular consequence: missense variant. On other transcripts: intron variant (1).
Genome position (GRCh38, 1-based): chr9:34,647,534, T>A. VCF-style: chr9-34647534-T-A. GRCh37 (hg19) VCF-style: chr9-34647531-T-A.
Other names: c.50+276T>A (NM_001258332.2); short protein forms F99I.
Identifiers: ClinVar variation 858290 (VCV000858290.10), dbSNP rs1223049216, ClinGen allele CA373279256.

ClinVar aggregate classification (germline): Uncertain significance (1 of 4 stars; one submission).

Conditions:
Deficiency of UDPglucose-hexose-1-phosphate uridylyltransferase. Also called: GALACTOSE-1-PHOSPHATE URIDYLYLTRANSFERASE DEFICIENCY; GALACTOSEMIA I; GALT deficiency; Galactosemia, classic; Transferase Deficiency Galactosemia. Identifiers: Orphanet 352, Orphanet 79239, MedGen C0268151, MONDO:0009258, OMIM 230400.

Submission:

Labcorp Genetics (formerly Invitae), Labcorp
Classification: Uncertain significance for Deficiency of UDPglucose-hexose-1-phosphate uridylyltransferase. Last evaluated: 2019-03-19. Review status: criteria provided, single submitter. Criteria: Invitae Variant Classification Sherloc (09022015). Collection method: clinical testing. Allele origin: germline.
Comment: In summary, the available evidence is currently insufficient to determine the role of this variant in disease. Therefore, it has been classified as a Variant of Uncertain Significance. Algorithms developed to predict the effect of missense changes on protein structure and function are either unavailable or do not agree on the potential impact of this missense change (SIFT: "Deleterious"; PolyPhen-2: "Probably Damaging"; Align-GVGD: "Class C0"). This variant has not been reported in the literature in individuals with GALT-related conditions. This variant is not present in population databases (ExAC no frequency). This sequence change replaces phenylalanine with isoleucine at codon 99 of the GALT protein (p.Phe99Ile). The phenylalanine residue is moderately conserved and there is a small physicochemical difference between phenylalanine and isoleucine.